The following is an entry in ClinVar:

ClinVar aggregate classification (germline): Pathogenic. Review status: criteria provided, multiple submitters, no conflicts (2 of 4 stars). 14 submissions from 14 submitters: Pathogenic (11). 3 of the submissions do not count toward it. Last evaluated 2026-01-13.

Conditions:
SLC25A20-related disorder. Also called: SLC25A20-related condition.
Carnitine acylcarnitine translocase deficiency (CACTD). Identifiers: Orphanet 159, MedGen C0342791, MONDO:0008918, OMIM 212138.
Type 2 diabetes mellitus. Also called: Type II diabetes mellitus. Identifiers: MedGen C0011860, MeSH D003924, MONDO:0005148, OMIM 125853, HP:0005978.

Allele frequency attached by ClinVar (database versions not stated): gnomAD 0.00003 and 0.00002; ExAC 0.00003; 1000 Genomes Project 30x 0.00016; 1000 Genomes Project 0.00020; gnomAD exomes 0.00002 and 0.00007; TOPMed 0.00003.

Submissions (14):

Labcorp Genetics (formerly Invitae), Labcorp
Classification: Pathogenic for Carnitine acylcarnitine translocase deficiency. Last evaluated: 2026-01-13. Review status: criteria provided, single submitter. Criteria: Invitae Variant Classification Sherloc (09022015). Collection method: clinical testing. Allele origin: germline.
Comment: This sequence change falls in intron 2 of the SLC25A20 gene. It does not directly change the encoded amino acid sequence of the SLC25A20 protein. This variant is present in population databases (rs541208710, gnomAD 0.09%). This variant has been observed in individuals with carnitine–acylcarnitine translocase deficiency (PMID: 10697964, 24088670, 25459972, 26238931, 27066551). It has also been observed to segregate with disease in related individuals. This variant is also known as 261-10T>G. ClinVar contains an entry for this variant (Variation ID: 12137). Algorithms developed to predict the effect of sequence changes on RNA splicing suggest that this variant may disrupt the consensus splice site. For these reasons, this variant has been classified as Pathogenic.

Mayo Clinic Laboratories, Mayo Clinic
Classification: Pathogenic. Last evaluated: 2025-03-21. Review status: criteria provided, single submitter. Criteria: ACMG Guidelines, 2015. Collection method: clinical testing. Allele origin: germline. Observed: 1 variant allele.
Comment: PP4, PM2_supporting, PM3_very_strong, PS4

3billion
Classification: Pathogenic for Carnitine acylcarnitine translocase deficiency. Last evaluated: 2025-03-13. Review status: criteria provided, single submitter. Criteria: ACMG Guidelines, 2015. Collection method: clinical testing. Allele origin: germline. Affected: yes.
Comment: The variant is observed at an extremely low frequency in the gnomAD v4.1.0 dataset (total allele frequency: 0.003%). Predicted Consequence/Location: Intron variant: previously reported to alter splicing and result in a loss of normal protein function through nonsense-mediated decay (NMD) or protein truncation (PMID: 10697964, 11592821). In silico tools predict the variant to alter splicing and produce an abnormal transcript [SpliceAI: 0.65 (spliceogenicity >=0.2, non-spliceogenicity <0.1)]. The variant has been reported to be in trans with a pathogenic variant as either compound heterozygous or homozygous in at least one similarly affected unrelated individual (PMID: 10697964, 11592821). The variant has been reported at least twice as pathogenic with clinical assertions and evidence for the classification (ClinVar ID: VCV000012137 / PMID: 10697964 / 3billion dataset). Therefore, this variant is classified as Pathogenic according to the recommendation of ACMG/AMP guideline.

Institute of Human Genetics, University of Leipzig Medical Center
Classification: Pathogenic for Carnitine acylcarnitine translocase deficiency. Last evaluated: 2025-03-04. Review status: criteria provided, single submitter. Criteria: ACMG Guidelines, 2015. Collection method: clinical testing. Allele origin: maternal. Inheritance: Autosomal recessive inheritance. Affected: yes.
Comment: Criteria applied: PM2,PM3,PP4,PVS1

Fulgent Genetics
Classification: Pathogenic for Carnitine acylcarnitine translocase deficiency. Last evaluated: 2024-03-22. Review status: criteria provided, single submitter. Criteria: ACMG Guidelines, 2015. Collection method: clinical testing. Allele origin: germline.

Blueprint Genetics
Classification: Pathogenic for SLC25A20-related disorders. Last evaluated: 2023-12-04. Review status: criteria provided, single submitter. Criteria: ACMG Guidelines, 2015. Collection method: clinical testing. Allele origin: germline. Affected: yes. Observed: 5 variant alleles.

GeneDx
Classification: Pathogenic. Last evaluated: 2021-11-18. Review status: criteria provided, single submitter. Criteria: GeneDx Variant Classification Process June 2021. Collection method: clinical testing. Allele origin: germline. Affected: yes.
Comment: Reverse transcriptase PCR in patient fibroblasts indicate c.199-10 T>G results in abnormal gene splicing (Ogawa et al., 2000); This variant is associated with the following publications: (PMID: 25459972, 29137068, 10697964, 15363639, 11592821, 29996190, 31108048, 31965297, 31501239, 32411386, 33634872, 33194920, 32778825, 24088670)

Genetics and Molecular Pathology, SA Pathology
Classification: Pathogenic for Carnitine acylcarnitine translocase deficiency. Last evaluated: 2020-03-26. Review status: criteria provided, single submitter. Criteria: ACMG Guidelines, 2015. Collection method: clinical testing. Allele origin: germline. Inheritance: Autosomal recessive inheritance. Affected: yes.
Comment: The SLC25A20:c.199-10T>G variant is a single nucleotide substitution which results in aberrant splicing. The variant has been reported in the literature as homozygous or heterozygous in combination with another SLC25A20 variant in affected patients (PMID: 25459972, PMID: 25459972) . It has been described as a founder mutation in East Asian populations. RNA studies demonstrate exon 3 and exon 3/4 skipping which is predicted to be detrimental to protein function (PMID: 10697964). It is present in population databases at 0.007% (20 het/280674 allele count) (PP). Splice prediction programs in Alamut indicate that the variant may disrupt the exon 3 acceptor site. The variant is described in ClinVar as pathogenic and HGMD (2019.4) as disease causing (PP5).

Center for Molecular Medicine, Children’s Hospital of Fudan University
Classification: Pathogenic for Carnitine acylcarnitine translocase deficiency. Last evaluated: 2019-05-10. Review status: criteria provided, single submitter. Criteria: ACMG Guidelines, 2015. Collection method: clinical testing. Allele origin: paternal. Affected: yes.

Women's Health and Genetics/Laboratory Corporation of America, LabCorp
Classification: Pathogenic for Carnitine acylcarnitine translocase deficiency. Last evaluated: 2017-01-06. Review status: criteria provided, single submitter. Criteria: LabCorp Variant Classification Summary - May 2015. Collection method: clinical testing. Allele origin: germline.
Comment: Variant summary: The SLC25A20 c.199-10T>G variant involves the alteration of a conserved intronic nucleotide. One in silico tool predicts a disease-causing outcome for this variant. 5/5 splice prediction tools predict the creation or enhancement of a cryptic splice donor site along with the weakening of a canonical splicing acceptor site. Functional studies have shown the patients with this variant in compound heterozygosity had exon 3/4 skipping, and abberant splicing was also observed in patients and parents who had coding variants suggesting coding sequence mutations might contribute to the presence of aberrantly spliced mRNA (Hsu_2001). The variant was found in numerous affected individuals both in the homozygous and heterozygous state, and the variant has been suggested as an Asian founder mutation. This variant was found in 4/121236 control chromosomes at a frequency of 0.000033, which does not exceed the estimated maximal expected allele frequency of a pathogenic SLC25A20 variant (0.001118). In addition, one reputable clinical diagnostic laboratory/multiple reputable databases classified this variant as pathogenic. Taken together, this variant is classified as pathogenic.

Juno Genomics, Hangzhou Juno Genomics, Inc
Classification: Pathogenic for Carnitine acylcarnitine translocase deficiency. Review status: criteria provided, single submitter. Criteria: ACMG Guidelines, 2015. Collection method: clinical testing. Allele origin: germline.
Comment: Absent from controls (or at extremely low frequency if recessive) in Genome Aggregation Database.;Well-established in vitro or in vivo functional studies supportive of a damaging effect on the gene or gene product.;For recessive disorders, detected in trans with a pathogenic variant.;Co-segregation with disease in multiple affected family members.

Gene Friend Way, National Innovation Center
Classification: Likely pathogenic for Type 2 diabetes mellitus. Last evaluated: 2025-01-01. Review status: no assertion criteria provided. Collection method: clinical testing. Allele origin: unknown. Affected: yes. Observed: 1 variant allele. Not counted in ClinVar's aggregate classification.
Comment: This variant leads to aberrant splicing and truncation of the protein (PMID: 10697964). SLC25A20 is critical for fatty acid metabolism and energy production, its dysfunction causes hypoketotic hypoglycemia and energy failure, which can disrupt glucose homeostasis (PMID: 22020112; 34626609; 38490313).

PreventionGenetics, part of Exact Sciences
Classification: Pathogenic for SLC25A20-related condition. Last evaluated: 2024-07-23. Review status: no assertion criteria provided. Collection method: clinical testing. Allele origin: germline. Not counted in ClinVar's aggregate classification.
Comment: The SLC25A20 c.199-10T>G variant is predicted to interfere with splicing. This variant has been reported in the compound heterozygous and homozygous state in multiple patients with autosomal recessive carnitine-acylcarnitine translocase deficiency (Ogawa et al. 2000. PubMed ID: 10697964, Tang et al. 2019. PubMed ID: 31108048, Vatanavicharn et al. 2015. PubMed ID: 25459972). RNA studies showed that this variant leads to aberrant splicing and truncation of the protein (Ogawa et al. 2000. PubMed ID: 10697964). This variant is reported in 0.095% of alleles in individuals of East Asian descent in gnomAD. This variant is interpreted as pathogenic.

OMIM
Classification: Pathogenic for CARNITINE-ACYLCARNITINE TRANSLOCASE DEFICIENCY. Last evaluated: 2013-12-01. Review status: no assertion criteria provided. Collection method: literature only. Allele origin: germline. Not counted in ClinVar's aggregate classification.

Literature cited by the submitters: PubMed 10697964 (cited by 4 submitters); PubMed 24088670 (cited by 3 submitters); PubMed 25459972 (cited by 4 submitters); PubMed 26238931 (cited by Labcorp Genetics (formerly Invitae), Labcorp); PubMed 27066551 (cited by Labcorp Genetics (formerly Invitae), Labcorp and Women's Health and Genetics/Laboratory Corporation of America, LabCorp); PubMed 11592821 (cited by 3 submitters); PubMed 12559850 (cited by Mayo Clinic Laboratories, Mayo Clinic and Women's Health and Genetics/Laboratory Corporation of America, LabCorp); PubMed 21605995 (cited by Mayo Clinic Laboratories, Mayo Clinic); PubMed 31108048 (cited by Mayo Clinic Laboratories, Mayo Clinic); PubMed 17277394 (cited by Women's Health and Genetics/Laboratory Corporation of America, LabCorp); PubMed 22020112 (cited by Gene Friend Way, National Innovation Center); PubMed 34626609 (cited by Gene Friend Way, National Innovation Center); PubMed 38490313 (cited by Gene Friend Way, National Innovation Center).

NM_000387.6(SLC25A20):c.199-10T>G

Gene: SLC25A20 (solute carrier family 25 member 20; minus strand). Cytogenetic location: 3p21.31.
Variant type: single nucleotide variant.
Coding change: c.199-10T>G on transcript NM_000387.6 (MANE Select); 10 bases into the intron before coding-DNA position 199, T replaced by G.
Molecular consequence: intron variant.
Genome position (GRCh38, 1-based): chr3:48,884,134, A>C on the plus strand (T>G on the coding strand, the complement: SLC25A20 is on the minus strand). VCF-style: chr3-48884134-A-C. GRCh37 (hg19) VCF-style: chr3-48921567-A-C.
Other names: p.?; IVS2AS, T-G, -10.
Identifiers: ClinVar variation 12137 (VCV000012137.30), dbSNP rs541208710, ClinGen allele CA121917.